The following is an entry in ClinVar:

NM_001943.5(DSG2):c.856G>A (p.Val286Ile)

Gene: DSG2 (desmoglein 2; plus strand). Cytogenetic location: 18q12.1.
Variant type: single nucleotide variant.
Coding change: c.856G>A on transcript NM_001943.5 (MANE Select); coding-DNA position 856, G replaced by A.
Protein change: p.Val286Ile; replaces valine 286 with isoleucine.
Molecular consequence: missense variant.
Genome position (GRCh38, 1-based): chr18:31,524,730, G>A. VCF-style: chr18-31524730-G-A. GRCh37 (hg19) VCF-style: chr18-29104693-G-A.
Other names: short protein forms V286I.
Identifiers: ClinVar variation 1516680 (VCV001516680.8), dbSNP rs1568106749, ClinGen allele CA402135461.

ClinVar aggregate classification (germline): Uncertain significance (1 of 4 stars; one submission).

Conditions:
Arrhythmogenic right ventricular dysplasia 10. Also called: Arrhythmogenic right ventricular dysplasia/cardiomyopathy, type 10; Arrhythmogenic Right Ventricular Dysplasia/Cardiomyopathy10; ARRHYTHMOGENIC RIGHT VENTRICULAR DYSPLASIA, FAMILIAL, 10. Identifiers: MedGen C1857777, MONDO:0012434, OMIM 610193.

Submission:

Labcorp Genetics (formerly Invitae), Labcorp
Classification: Uncertain significance for Arrhythmogenic right ventricular dysplasia 10. Last evaluated: 2021-03-14. Review status: criteria provided, single submitter. Criteria: Invitae Variant Classification Sherloc (09022015). Collection method: clinical testing. Allele origin: germline.
Comment: This sequence change replaces valine with isoleucine at codon 286 of the DSG2 protein (p.Val286Ile). The valine residue is moderately conserved and there is a small physicochemical difference between valine and isoleucine. This variant is not present in population databases (ExAC no frequency). This variant has not been reported in the literature in individuals with DSG2-related conditions. In summary, the available evidence is currently insufficient to determine the role of this variant in disease. Therefore, it has been classified as a Variant of Uncertain Significance. Algorithms developed to predict the effect of missense changes on protein structure and function (SIFT, PolyPhen-2, Align-GVGD) all suggest that this variant is likely to be tolerated, but these predictions have not been confirmed by published functional studies and their clinical significance is uncertain.